The following is an entry in ClinVar:

ClinVar aggregate classification (germline): Uncertain significance. Review status: criteria provided, multiple submitters, no conflicts (2 of 4 stars). 2 submissions from 2 submitters: Uncertain significance (2). Last evaluated 2024-10-17.

Conditions:
Transcobalamin II deficiency (TCN2D). Also called: Transcolabamin II deficiency; TC II DEFICIENCY; TCN2 DEFICIENCY. Identifiers: Orphanet 859, MedGen C0342701, MONDO:0010149, OMIM 275350.
Inborn genetic diseases. Identifiers: MedGen C0950123, MeSH D030342.

Allele frequency attached by ClinVar (database versions not stated): ExAC 0.00001; TOPMed 0.00001.
gnomAD v4.1: 14 of 1,614,230 alleles (0.00087%); highest among the groups gnomAD compares: Non-Finnish European, 0.0011%; no homozygotes.

Submissions (2):

Labcorp Genetics (formerly Invitae), Labcorp
Classification: Uncertain significance for Transcobalamin II deficiency. Last evaluated: 2024-10-17. Review status: criteria provided, single submitter. Criteria: Invitae Variant Classification Sherloc (09022015). Collection method: clinical testing. Allele origin: germline.
Comment: This sequence change replaces histidine, which is basic and polar, with tyrosine, which is neutral and polar, at codon 298 of the TCN2 protein (p.His298Tyr). This variant is present in population databases (rs769224521, gnomAD 0.004%). This variant has not been reported in the literature in individuals affected with TCN2-related conditions. ClinVar contains an entry for this variant (Variation ID: 2189499). Invitae Evidence Modeling of protein sequence and biophysical properties (such as structural, functional, and spatial information, amino acid conservation, physicochemical variation, residue mobility, and thermodynamic stability) indicates that this missense variant is expected to disrupt TCN2 protein function with a positive predictive value of 80%. In summary, the available evidence is currently insufficient to determine the role of this variant in disease. Therefore, it has been classified as a Variant of Uncertain Significance.

Ambry Genetics
Classification: Uncertain significance for Inborn genetic diseases. Last evaluated: 2022-12-13. Review status: criteria provided, single submitter. Criteria: Ambry Variant Classification Scheme 2023. Collection method: clinical testing. Allele origin: germline.

NM_000355.4(TCN2):c.892C>T (p.His298Tyr)

Gene: TCN2 (transcobalamin 2; plus strand). Cytogenetic location: 22q12.2.
Variant type: single nucleotide variant.
Coding change: c.892C>T on transcript NM_000355.4 (MANE Select); coding-DNA position 892, C replaced by T.
Protein change: p.His298Tyr; replaces histidine 298 with tyrosine.
Molecular consequence: missense variant.
Genome position (GRCh38, 1-based): chr22:30,615,739, C>T. VCF-style: chr22-30615739-C-T. GRCh37 (hg19) VCF-style: chr22-31011726-C-T.
Other names: c.811C>T, p.His271Tyr (NM_001184726.2); c.892C>T (NM_000355.3); short protein forms H271Y, H298Y.
Identifiers: ClinVar variation 2189499 (VCV002189499.4), dbSNP rs769224521, ClinGen allele CA10184873.
Genomic context (GRCh38, chr22:30,615,739, plus strand): 5'-CTGCAGGATGGAGCCTTCCAGAATGCTCTCATGATTTCCCAGCTGCTGCCCGTTCTGAAC[C>T]ACAAGACCTACATTGATCTGATCTTCCCAGACTGTCTGGCACCACGAGGTAGCCCAACTT-3'
Protein context (NP_000346.2, residues 288-308): MISQLLPVLN[His298Tyr]KTYIDLIFPD